The following is an entry in ClinVar:

NM_004963.4(GUCY2C):c.1402T>G (p.Trp468Gly)

Gene: GUCY2C (guanylate cyclase 2C; minus strand). Cytogenetic location: 12p12.3.
Variant type: single nucleotide variant.
Coding change: c.1402T>G on transcript NM_004963.4 (MANE Select); coding-DNA position 1402, T replaced by G.
Protein change: p.Trp468Gly; replaces tryptophan 468 with glycine.
Molecular consequence: missense variant.
Genome position (GRCh38, 1-based): chr12:14,656,580, A>C on the plus strand (T>G on the coding strand, the complement: GUCY2C is on the minus strand). VCF-style: chr12-14656580-A-C. GRCh37 (hg19) VCF-style: chr12-14809514-A-C.
Other names: short protein forms W468G.
Identifiers: ClinVar variation 2705172 (VCV002705172.3), dbSNP rs2497724426, ClinGen allele CA383991880.

ClinVar aggregate classification (germline): Uncertain significance (1 of 4 stars; one submission).

Submission:

Labcorp Genetics (formerly Invitae), Labcorp
Classification: Uncertain significance. Last evaluated: 2023-12-24. Review status: criteria provided, single submitter. Criteria: Invitae Variant Classification Sherloc (09022015). Collection method: clinical testing. Allele origin: germline.
Comment: This sequence change replaces tryptophan, which is neutral and slightly polar, with glycine, which is neutral and non-polar, at codon 468 of the GUCY2C protein (p.Trp468Gly). This variant is not present in population databases (gnomAD no frequency). This variant has not been reported in the literature in individuals affected with GUCY2C-related conditions. Advanced modeling of protein sequence and biophysical properties (such as structural, functional, and spatial information, amino acid conservation, physicochemical variation, residue mobility, and thermodynamic stability) performed at Invitae indicates that this missense variant is expected to disrupt GUCY2C protein function with a positive predictive value of 80%. In summary, the available evidence is currently insufficient to determine the role of this variant in disease. Therefore, it has been classified as a Variant of Uncertain Significance.